The following is an entry in ClinVar:

NM_005732.4(RAD50):c.1034A>T (p.Glu345Val)

Gene: RAD50 (RAD50 double strand break repair protein; plus strand). Cytogenetic location: 5q31.1.
Variant type: single nucleotide variant.
Coding change: c.1034A>T on transcript NM_005732.4 (MANE Select); coding-DNA position 1034, A replaced by T.
Protein change: p.Glu345Val; replaces glutamic acid 345 with valine.
Molecular consequence: missense variant.
Genome position (GRCh38, 1-based): chr5:132,588,072, A>T. VCF-style: chr5-132588072-A-T. GRCh37 (hg19) VCF-style: chr5-131923764-A-T.
Other names: short protein forms E345V.
Identifiers: ClinVar variation 1062665 (VCV001062665.7), dbSNP rs1406964779, ClinGen allele CA360941643.

ClinVar aggregate classification (germline): Uncertain significance (1 of 4 stars; one submission).

Conditions:
Hereditary cancer-predisposing syndrome. Also called: Hereditary Cancer Syndrome; Hereditary neoplastic syndrome; Neoplastic Syndromes, Hereditary; Tumor predisposition. Identifiers: Orphanet 140162, MedGen C0027672, MeSH D009386, MONDO:0015356.

Submission:

Labcorp Genetics (formerly Invitae), Labcorp
Classification: Uncertain significance for Hereditary cancer-predisposing syndrome. Last evaluated: 2024-06-12. Review status: criteria provided, single submitter. Criteria: Invitae Variant Classification Sherloc (09022015). Collection method: clinical testing. Allele origin: germline.
Comment: This sequence change replaces glutamic acid, which is acidic and polar, with valine, which is neutral and non-polar, at codon 345 of the RAD50 protein (p.Glu345Val). This variant is not present in population databases (gnomAD no frequency). This variant has not been reported in the literature in individuals affected with RAD50-related conditions. ClinVar contains an entry for this variant (Variation ID: 1062665). Advanced modeling of protein sequence and biophysical properties (such as structural, functional, and spatial information, amino acid conservation, physicochemical variation, residue mobility, and thermodynamic stability) has been performed at Invitae for this missense variant, however the output from this modeling did not meet the statistical confidence thresholds required to predict the impact of this variant on RAD50 protein function. In summary, the available evidence is currently insufficient to determine the role of this variant in disease. Therefore, it has been classified as a Variant of Uncertain Significance.